The following is an entry in ClinVar:

ClinVar aggregate classification (germline): Uncertain significance (1 of 4 stars; one submission).

Submission:

Labcorp Genetics (formerly Invitae), Labcorp
Classification: Uncertain significance. Last evaluated: 2019-11-29. Review status: criteria provided, single submitter. Criteria: Invitae Variant Classification Sherloc (09022015). Collection method: clinical testing. Allele origin: germline.
Comment: This sequence change replaces proline with alanine at codon 13 of the POLE protein (p.Pro13Ala). The proline residue is weakly conserved and there is a small physicochemical difference between proline and alanine. The frequency data for this variant in the population databases is considered unreliable, as metrics indicate insufficient coverage at this position in the ExAC database. This variant has not been reported in the literature in individuals with POLE-related conditions. Algorithms developed to predict the effect of missense changes on protein structure and function output the following: SIFT: "Tolerated"; PolyPhen-2: "Benign"; Align-GVGD: "Class C0". The alanine amino acid residue is found in multiple mammalian species, suggesting that this missense change does not adversely affect protein function. These predictions have not been confirmed by published functional studies and their clinical significance is uncertain. In summary, the available evidence is currently insufficient to determine the role of this variant in disease. Therefore, it has been classified as a Variant of Uncertain Significance.

NM_006231.4(POLE):c.37C>G (p.Pro13Ala)

Genes: POLE (DNA polymerase epsilon, catalytic subunit; minus strand), LOC130009266 (ATAC-STARR-seq lymphoblastoid silent region 5123; plus strand). Cytogenetic location: 12q24.33.
Variant type: single nucleotide variant.
Coding change: c.37C>G on transcript NM_006231.4 (MANE Select); coding-DNA position 37, C replaced by G.
Protein change: p.Pro13Ala; replaces proline 13 with alanine.
Molecular consequence: missense variant.
Genome position (GRCh38, 1-based): chr12:132,687,279, G>C on the plus strand (C>G on the coding strand, the complement: POLE is on the minus strand). VCF-style: chr12-132687279-G-C. GRCh37 (hg19) VCF-style: chr12-133263865-G-C.
Other names: short protein forms P13A.
Identifiers: ClinVar variation 854727 (VCV000854727.10), dbSNP rs747831153, ClinGen allele CA387373405.
Genomic context (GRCh38, chr12:132,687,279, plus strand): 5'-GGCCGGCCCGAGAGCCTCAGGAGGGCGCCCCTCACCTGCTGGCCTCGCCATCCGCGCCTG[G>C]GTCCGCGCGCCGCCGCCCGCCGCTCCTCAGAGACATGGAGCCGTTGGCTACCACCTCTGC-3'
Protein context (NP_006222.2, residues 3-23): LRSGGRRRAD[Pro13Ala]GADGEASRDD